The following is an entry in ClinVar:

NM_001298.3(CNGA3):c.778G>A (p.Asp260Asn)

Gene: CNGA3 (cyclic nucleotide gated channel subunit alpha 3; plus strand). Cytogenetic location: 2q11.2.
Variant type: single nucleotide variant.
Coding change: c.778G>A on transcript NM_001298.3 (MANE Select); coding-DNA position 778, G replaced by A.
Protein change: p.Asp260Asn; replaces aspartic acid 260 with asparagine.
Molecular consequence: missense variant.
Genome position (GRCh38, 1-based): chr2:98,395,948, G>A. VCF-style: chr2-98395948-G-A. GRCh37 (hg19) VCF-style: chr2-99012411-G-A.
Other names: c.724G>A, p.Asp242Asn (NM_001079878.2); short protein forms D260N, D242N.
Identifiers: ClinVar variation 689726 (VCV000689726.16), dbSNP rs374258471, ClinGen allele CA1793891.

ClinVar aggregate classification (germline): Pathogenic/Likely pathogenic. Review status: criteria provided, multiple submitters, no conflicts (2 of 4 stars). 7 submissions from 7 submitters: Pathogenic (6); Likely pathogenic (1). Last evaluated 2026-02-10.

Conditions:
Retinal dystrophy. Also called: Inherited retinal dystrophy. Identifiers: Orphanet 71862, MedGen C0854723, MeSH D058499, MONDO:0019118, HP:0000556.
CNGA3-related disorders.
Achromatopsia 2 (ACHM2). Also called: COLORBLINDNESS, TOTAL; ROD MONOCHROMACY 2; ROD MONOCHROMATISM 2. Identifiers: Orphanet 49382, MedGen C1857618, MONDO:0009003, OMIM 216900.

Allele frequency attached by ClinVar (database versions not stated): gnomAD 0.00003; TOPMed 0.00005; ESP Exome Variant Server 0.00008.
gnomAD v4.1: 23 of 1,613,988 alleles (0.0014%); highest among the groups gnomAD compares: Admixed American, 0.0033%; no homozygotes.

Submissions (7):

Women's Health and Genetics/Laboratory Corporation of America, LabCorp
Classification: Pathogenic for Achromatopsia 2. Last evaluated: 2026-02-10. Review status: criteria provided, single submitter. Criteria: LabCorp Variant Classification Summary - May 2015. Collection method: clinical testing. Allele origin: germline.
Comment: Variant summary: CNGA3 c.778G>A (p.Asp260Asn) results in a conservative amino acid change in the encoded protein sequence. Algorithms developed to predict the effect of missense changes on protein structure and function are either unavailable or do not agree on the potential impact of this missense change. The variant allele was found at a frequency of 2.4e-05 in 251450 control chromosomes (gnomAD). c.778G>A has been observed in individuals affected with Achromatopsia 2 or cone-rod dystrophy (e.g. Wissinger_2001, Li_2014, Huang_2016, Georgiou_2019). These data indicate that the variant is likely to be associated with disease. At least one publication reports experimental evidence evaluating an impact on protein function, finding that the variant results in a loss of channel current (Muraki-Oda_2007). The following publications have been ascertained in the context of this evaluation (PMID: 11536077, 24903488, 26992781, 17693388, 30682209). ClinVar contains an entry for this variant (Variation ID: 689726). Based on the evidence outlined above, the variant was classified as pathogenic.

Labcorp Genetics (formerly Invitae), Labcorp
Classification: Pathogenic. Last evaluated: 2025-11-04. Review status: criteria provided, single submitter. Criteria: Invitae Variant Classification Sherloc (09022015). Collection method: clinical testing. Allele origin: germline.
Comment: This sequence change replaces aspartic acid, which is acidic and polar, with asparagine, which is neutral and polar, at codon 260 of the CNGA3 protein (p.Asp260Asn). This variant is present in population databases (rs374258471, gnomAD 0.006%). This missense change has been observed in individual(s) with CNGA3-related conditions (PMID: 11536077, 24903488, 26992781, 28159970, 30682209). In at least one individual the data is consistent with being in trans (on the opposite chromosome) from a pathogenic variant. It has also been observed to segregate with disease in related individuals. ClinVar contains an entry for this variant (Variation ID: 689726). Invitae Evidence Modeling of protein sequence and biophysical properties (such as structural, functional, and spatial information, amino acid conservation, physicochemical variation, residue mobility, and thermodynamic stability) indicates that this missense variant is expected to disrupt CNGA3 protein function with a positive predictive value of 95%. Experimental studies have shown that this missense change affects CNGA3 function (PMID: 17693388). For these reasons, this variant has been classified as Pathogenic.

GeneDx
Classification: Pathogenic. Last evaluated: 2025-06-11. Review status: criteria provided, single submitter. Criteria: GeneDx Variant Classification Process June 2021. Collection method: clinical testing. Allele origin: germline.
Comment: Published functional studies demonstrate a damaging effect: damaged cone photoreceptor cGMP-gated cation channel (PMID: 17693388); In silico analysis supports that this missense variant has a deleterious effect on protein structure/function; This variant is associated with the following publications: (PMID: 24676353, 26992781, 28159970, 31216405, 11536077, 30682209, 25637600, 19592100, 31964843, 34360608, 35332618, 32531858, 24903488, 35119454, 17693388, 37734845, 37372476)

Institute of Human Genetics, Univ. Regensburg, Univ. Regensburg
Classification: Pathogenic for Retinal dystrophy. Last evaluated: 2023-01-01. Review status: criteria provided, single submitter. Criteria: ACMG Guidelines, 2015. Collection method: clinical testing. Allele origin: germline. Affected: yes.

Blueprint Genetics
Classification: Pathogenic for CNGA3-related disorders. Last evaluated: 2021-11-30. Review status: criteria provided, single submitter. Criteria: ACMG Guidelines, 2015. Collection method: clinical testing. Allele origin: germline. Affected: yes. Observed: 5 variant alleles.

Institute of Medical Genetics and Applied Genomics, University Hospital Tübingen
Classification: Pathogenic. Last evaluated: 2021-09-15. Review status: criteria provided, single submitter. Criteria: ACMG Guidelines, 2015. Collection method: clinical testing. Allele origin: germline. Inheritance: Autosomal recessive inheritance. Affected: yes.

Baylor Genetics
Classification: Likely pathogenic for Achromatopsia 2. Last evaluated: 2018-10-12. Review status: criteria provided, single submitter. Criteria: ACMG Guidelines, 2015. Collection method: clinical testing. Allele origin: germline. Affected: yes.

Literature cited by the submitters: PubMed 26992781 (cited by 4 submitters); PubMed 17693388 (cited by 4 submitters); PubMed 11536077 (cited by 4 submitters); PubMed 24903488 (cited by Women's Health and Genetics/Laboratory Corporation of America, LabCorp and Labcorp Genetics (formerly Invitae), Labcorp); PubMed 30682209 (cited by 3 submitters); PubMed 28159970 (cited by 3 submitters); PubMed 24676353 (cited by Institute of Human Genetics, Univ. Regensburg, Univ. Regensburg and Baylor Genetics); PubMed 31216405 (cited by Institute of Human Genetics, Univ. Regensburg, Univ. Regensburg); PubMed 31964843 (cited by Institute of Human Genetics, Univ. Regensburg, Univ. Regensburg); PubMed 32531858 (cited by Institute of Human Genetics, Univ. Regensburg, Univ. Regensburg); PubMed 35119454 (cited by Institute of Human Genetics, Univ. Regensburg, Univ. Regensburg).